The following is an entry in ClinVar:

ClinVar aggregate classification (germline): Uncertain significance. Review status: criteria provided, multiple submitters, no conflicts (2 of 4 stars). 3 submissions from 3 submitters: Uncertain significance (2). 1 of the submissions does not count toward it. Last evaluated 2022-04-28.

Conditions:
Inborn genetic diseases. Identifiers: MedGen C0950123, MeSH D030342.
Chédiak-Higashi syndrome (CHS). Also called: Chediak-Higashi Syndrome. Identifiers: Orphanet 167, MedGen C0007965, MONDO:0008963, OMIM 214500.

Allele frequency attached by ClinVar (database versions not stated): gnomAD 0.00001; ExAC 0.00005.
gnomAD v4.1: 33 of 1,613,454 alleles (0.002%); highest among the groups gnomAD compares: Middle Eastern, 0.016%; no homozygotes.

Submissions (3):

Ambry Genetics
Classification: Uncertain significance for Inborn genetic diseases. Last evaluated: 2022-04-28. Review status: criteria provided, single submitter. Criteria: Ambry Variant Classification Scheme 2023. Collection method: clinical testing. Allele origin: germline.

Labcorp Genetics (formerly Invitae), Labcorp
Classification: Uncertain significance for Chédiak-Higashi syndrome. Last evaluated: 2021-09-01. Review status: criteria provided, single submitter. Criteria: Invitae Variant Classification Sherloc (09022015). Collection method: clinical testing. Allele origin: germline.
Comment: This sequence change replaces threonine with isoleucine at codon 2563 of the LYST protein (p.Thr2563Ile). The threonine residue is moderately conserved and there is a moderate physicochemical difference between threonine and isoleucine. This variant is present in population databases (rs761280851, ExAC 0.02%). This variant has not been reported in the literature in individuals affected with LYST-related conditions. Algorithms developed to predict the effect of missense changes on protein structure and function are either unavailable or do not agree on the potential impact of this missense change (SIFT: "Deleterious"; PolyPhen-2: "Probably Damaging"; Align-GVGD: "Class C0"). In summary, the available evidence is currently insufficient to determine the role of this variant in disease. Therefore, it has been classified as a Variant of Uncertain Significance.

ISTH-SSC Genomics in Thrombosis and Hemostasis, KU Leuven, Center for Molecular and Vascular Biology
Classification: Uncertain significance for Chédiak-Higashi syndrome. Review status: no assertion criteria provided. Collection method: research. Allele origin: unknown. Affected: yes. Not counted in ClinVar's aggregate classification.
Comment: Submitted to GoldVariant by Dr Marie-Christine Morel-Kopp from Northern Blood Research Centre, Sydney, Australia

NM_000081.4(LYST):c.7688C>T (p.Thr2563Ile)

Gene: LYST (lysosomal trafficking regulator; minus strand). Cytogenetic location: 1q42.3.
Variant type: single nucleotide variant.
Coding change: c.7688C>T on transcript NM_000081.4 (MANE Select); coding-DNA position 7688, C replaced by T.
Protein change: p.Thr2563Ile; replaces threonine 2563 with isoleucine.
Molecular consequence: missense variant.
Genome position (GRCh38, 1-based): chr1:235,751,302, G>A on the plus strand (C>T on the coding strand, the complement: LYST is on the minus strand). VCF-style: chr1-235751302-G-A. GRCh37 (hg19) VCF-style: chr1-235914602-G-A.
Other names: c.7688C>T (NM_000081.2); c.7688C>T, p.Thr2563Ile (NM_001301365.1); short protein forms T2563I.
Identifiers: ClinVar variation 1435233 (VCV001435233.6), dbSNP rs761280851, ClinGen allele CA1466073.